The following is an entry in ClinVar:

NM_004006.3(DMD):c.589dup (p.Glu197fs)

Gene: DMD (dystrophin; minus strand). Cytogenetic location: Xp21.1.
Variant type: Duplication.
Coding change: c.589dup on transcript NM_004006.3 (MANE Select); coding-DNA position 589, one base duplicated (G; older notation c.589dupG).
Protein change: p.Glu197fs; shifts the reading frame from glutamic acid 197.
Molecular consequence: frameshift variant.
Genome position (GRCh38, 1-based): chrX:32,809,553, C duplicated on the plus strand (G on the coding strand, the reverse complement: DMD is on the minus strand); the first of 2 consecutive C bases (chrX:32,809,553-32,809,554); duplicating either gives the same sequence. VCF-style (leftmost placement, unchanged base first): chrX-32809552-T-TC. GRCh37 (hg19) VCF-style: chrX-32827669-T-TC.
Other names: c.565dup, p.Glu189fs (NM_000109.4); c.577dup, p.Glu193fs (NM_004009.3); c.220dup, p.Glu74fs (NM_004010.3); c.589dupG (NM_004006.3); short protein forms E189fs, E193fs, E197fs, E74fs.
Identifiers: ClinVar variation 4879344 (VCV004879344.1).

ClinVar aggregate classification (germline): Likely pathogenic (1 of 4 stars; one submission).

Conditions:
Duchenne muscular dystrophy (DMD). Also called: Duchenne Muscular Dystrophy (DMD); MUSCULAR DYSTROPHY, PSEUDOHYPERTROPHIC PROGRESSIVE, DUCHENNE TYPE. Identifiers: Orphanet 98896, MedGen C0013264, MONDO:0010679, OMIM 310200.

Submission:

Genomic Diagnostics Laboratory, National Institute of Medical Genomics
Classification: Likely pathogenic for Duchenne muscular dystrophy. Review status: criteria provided, single submitter. Criteria: ACMG Guidelines, 2015. Collection method: research. Allele origin: germline. Affected: yes.
Comment: Protein domain: Rod